The following is an entry in ClinVar:

ClinVar aggregate classification (germline): Conflicting classifications of pathogenicity. Review status: criteria provided, conflicting classifications (1 of 4 stars). 2 submissions from 2 submitters: Pathogenic (1); Uncertain significance (1). Last evaluated 2024-10-29.

Conditions:
Juvenile myoclonic epilepsy (EJM). Also called: JANZ SYNDROME; PETIT MAL, IMPULSIVE. Identifiers: Orphanet 307, MedGen C0270853, MONDO:0009696.

Allele frequency attached by ClinVar (database versions not stated): gnomAD 0.00001; ExAC 0.00002; TOPMed 0.00002; gnomAD exomes 0.00003 and 0.00005; ESP Exome Variant Server 0.00008.

Submissions (2):

GeneDx
Classification: Uncertain significance. Last evaluated: 2024-10-29. Review status: criteria provided, single submitter. Criteria: GeneDx Variant Classification Process June 2021. Collection method: clinical testing. Allele origin: germline. Affected: yes.
Comment: p.Arg538Stop (CGA>TGA): c.1612 C>T in exon 9 of the EFHC1 gene (NM_018100.3). The Arg538Stop nonsense mutation in the EFHC1 gene is predicted to cause loss of normal protein function either through protein truncation or nonsense-mediated mRNA decay. Although this mutation has not been reported previously to our knowledge, it is considered a disease-causing mutation. The variant is found in EPILEPSY panel(s).

Baylor Genetics
Classification: Pathogenic for Myoclonic epilepsy, juvenile, susceptibility to, 1. Last evaluated: 2017-09-01. Review status: criteria provided, single submitter. Criteria: ACMG Guidelines, 2015. Collection method: clinical testing. Allele origin: paternal. Inheritance: Autosomal dominant inheritance. Affected: yes.
Comment: This nonsense mutation is categorized as deleterious according to ACMG guidelines (PMID:18414213).

Literature cited by the submitters: PubMed 25326635 (cited by Baylor Genetics).

NM_018100.4(EFHC1):c.1612C>T (p.Arg538Ter)

Gene: EFHC1 (EF-hand domain containing 1; plus strand). Cytogenetic location: 6p12.2.
Variant type: single nucleotide variant.
Coding change: c.1612C>T on transcript NM_018100.4 (MANE Select); coding-DNA position 1612, C replaced by T.
Protein change: p.Arg538Ter; replaces arginine 538 with a stop codon.
Molecular consequence: nonsense. On other transcripts: non-coding transcript variant (1).
Genome position (GRCh38, 1-based): chr6:52,479,759, C>T. VCF-style: chr6-52479759-C-T. GRCh37 (hg19) VCF-style: chr6-52344557-C-T.
Other names: p.R538*:CGA>TGA; c.1555C>T, p.Arg519Ter (NM_001172420.2); short protein forms R538*, R519*.
Identifiers: ClinVar variation 205414 (VCV000205414.10), dbSNP rs149998588, ClinGen allele CA314462.